The following is an entry in ClinVar:

ClinVar aggregate classification (germline): Uncertain significance (1 of 4 stars; one submission).

Conditions:
Ichthyosis linearis circumflexa. Identifiers: MedGen C0265962, MONDO:0043106, HP:0025810.

Allele frequency attached by ClinVar (database versions not stated): TOPMed 0.00001.

Submission:

Labcorp Genetics (formerly Invitae), Labcorp
Classification: Uncertain significance for Ichthyosis linearis circumflexa. Last evaluated: 2020-10-02. Review status: criteria provided, single submitter. Criteria: Invitae Variant Classification Sherloc (09022015). Collection method: clinical testing. Allele origin: germline.
Comment: In summary, the available evidence is currently insufficient to determine the role of this variant in disease. Therefore, it has been classified as a Variant of Uncertain Significance. Algorithms developed to predict the effect of missense changes on protein structure and function (SIFT, PolyPhen-2, Align-GVGD) all suggest that this variant is likely to be disruptive, but these predictions have not been confirmed by published functional studies and their clinical significance is uncertain. This variant has not been reported in the literature in individuals with SPINK5-related conditions. This variant is not present in population databases (ExAC no frequency). This sequence change replaces cysteine with glycine at codon 261 of the SPINK5 protein (p.Cys261Gly). The cysteine residue is highly conserved and there is a large physicochemical difference between cysteine and glycine.

NM_006846.4(SPINK5):c.781T>G (p.Cys261Gly)

Gene: SPINK5 (serine peptidase inhibitor Kazal type 5; plus strand). Cytogenetic location: 5q32.
Variant type: single nucleotide variant.
Coding change: c.781T>G on transcript NM_006846.4 (MANE Select); coding-DNA position 781, T replaced by G.
Protein change: p.Cys261Gly; replaces cysteine 261 with glycine.
Molecular consequence: missense variant.
Genome position (GRCh38, 1-based): chr5:148,094,468, T>G. VCF-style: chr5-148094468-T-G. GRCh37 (hg19) VCF-style: chr5-147474031-T-G.
Other names: c.781T>G, p.Cys261Gly (NM_001127698.2, NM_001127699.2); short protein forms C261G.
Identifiers: ClinVar variation 1060062 (VCV001060062.9), dbSNP rs1753402604, ClinGen allele CA361634662.
Genomic context (GRCh38, chr5:148,094,468, plus strand): 5'-CGGGAGAGTGATCCAGTCCGTGGCCCTGACGGCAGGATGCATGGCAACAAATGTGCCCTG[T>G]GTGCTGAAATTTTGTGAGTATAGAAGTGGTTTTTTCAGAGTGATTCAAAGGGTGGGAGTG-3'
Protein context (NP_006837.2, residues 251-271): GRMHGNKCAL[Cys261Gly]AEIFKQRFSE